The following is an entry in ClinVar:

ClinVar aggregate classification (germline): Likely benign. Review status: reviewed by expert panel (3 of 4 stars). 13 submissions from 13 submitters: Likely benign (1). 12 of the submissions do not count toward it. Last evaluated 2017-06-29.

Conditions:
BRCA2-related disorder. Also called: BRCA2-related condition; BRCA2-related disorders. Identifiers: MedGen CN239275.
Hereditary cancer-predisposing syndrome. Also called: Neoplastic Syndromes, Hereditary; Tumor predisposition; Hereditary Cancer Syndrome; Hereditary neoplastic syndrome. Identifiers: Orphanet 140162, MedGen C0027672, MeSH D009386, MONDO:0015356.
Hereditary breast ovarian cancer syndrome. Also called: BRCA1- and BRCA2-Associated Hereditary Breast and Ovarian Cancer; Hereditary breast and ovarian cancer; Hereditary breast and ovarian cancer syndrome; Hereditary breast and ovarian cancer syndrome (HBOC); Breast and ovarian cancer; Hereditary breast and/or ovarian cancer syndrome. Identifiers: Orphanet 145, MedGen C0677776, MeSH D061325, MONDO:0003582. Disease mechanism: loss of function.
Breast-ovarian cancer, familial, susceptibility to, 2 (BROVCA2). Also called: BRCA2 Hereditary Breast and Ovarian Cancer. Identifiers: Orphanet 145, MedGen C2675520, MONDO:0012933, OMIM 612555. Disease mechanism: loss of function.

Allele frequency attached by ClinVar (database versions not stated): gnomAD exomes 0.00003; TOPMed 0.00003; gnomAD 0.00004 and 0.00005; ExAC 0.00005; ESP Exome Variant Server 0.00008.
gnomAD v4.1: 67 of 1,613,234 alleles (0.0042%); highest among the groups gnomAD compares: Middle Eastern, 0.049%; no homozygotes.

Submissions (13):

Evidence-based Network for the Interpretation of Germline Mutant Alleles (ENIGMA)
Classification: Likely benign for Breast-ovarian cancer, familial, susceptibility to, 2. Last evaluated: 2017-06-29. Review status: reviewed by expert panel. Criteria: ENIGMA BRCA1/2 Classification Criteria (2017-06-29). Collection method: curation. Allele origin: germline.
Comment: Synonymous substitution variant, with low bioinformatic likelihood to result in a splicing aberration (Splicing prior probability 0.02).

Labcorp Genetics (formerly Invitae), Labcorp
Classification: Likely benign for Hereditary breast ovarian cancer syndrome. Last evaluated: 2026-01-13. Review status: criteria provided, single submitter. Criteria: Invitae Variant Classification Sherloc (09022015). Collection method: clinical testing. Allele origin: germline. Not counted in ClinVar's aggregate classification.

PreventionGenetics, part of Exact Sciences
Classification: Likely benign for BRCA2-related condition. Last evaluated: 2025-09-09. Review status: criteria provided, single submitter. Criteria: ACMG Guidelines, 2015. Collection method: clinical testing. Allele origin: germline. Not counted in ClinVar's aggregate classification.
Comment: This variant is classified as likely benign based on ACMG/AMP sequence variant interpretation guidelines (Richards et al. 2015 PMID: 25741868, with internal and published modifications).

All of Us Research Program, National Institutes of Health
Classification: Likely benign for Breast-ovarian cancer, familial, susceptibility to, 2. Last evaluated: 2023-12-13. Review status: criteria provided, single submitter. Criteria: ACMG Guidelines, 2015. Collection method: clinical testing. Allele origin: germline. Inheritance: Autosomal dominant inheritance. Observed: 5 variant alleles, 5 heterozygotes. Not counted in ClinVar's aggregate classification.
Comment: This study involves interpretation of variants in research participants for the purpose of population health screening. Participant phenotype was not available at the time of variant classification. Additional details can be found in publication PMID: 35346344, PMCID: PMC8962531

Blueprint Genetics
Classification: Likely benign. Last evaluated: 2023-10-25. Review status: criteria provided, single submitter. Criteria: ACMG Guidelines, 2015. Collection method: clinical testing. Allele origin: germline. Not counted in ClinVar's aggregate classification.

Quest Diagnostics Nichols Institute San Juan Capistrano
Classification: Likely benign. Last evaluated: 2022-09-23. Review status: criteria provided, single submitter. Criteria: Quest Diagnostics criteria. Collection method: clinical testing. Allele origin: unknown. Not counted in ClinVar's aggregate classification.

Sema4
Classification: Likely benign for Hereditary cancer-predisposing syndrome. Last evaluated: 2021-03-23. Review status: criteria provided, single submitter. Criteria: Sema4 Curation Guidelines. Collection method: curation. Allele origin: germline. Not counted in ClinVar's aggregate classification.

Women's Health and Genetics/Laboratory Corporation of America, LabCorp
Classification: Likely benign. Last evaluated: 2019-12-20. Review status: criteria provided, single submitter. Criteria: LabCorp Variant Classification Summary - May 2015. Collection method: clinical testing. Allele origin: germline. Not counted in ClinVar's aggregate classification.

Color Diagnostics, LLC DBA Color Health
Classification: Likely benign for Hereditary cancer-predisposing syndrome. Last evaluated: 2017-08-26. Review status: criteria provided, single submitter. Criteria: ACMG Guidelines, 2015. Collection method: clinical testing. Allele origin: germline. Not counted in ClinVar's aggregate classification.

Ambry Genetics
Classification: Likely benign for Hereditary cancer-predisposing syndrome. Last evaluated: 2014-12-18. Review status: criteria provided, single submitter. Criteria: Ambry Variant Classification Scheme 2023. Collection method: clinical testing. Allele origin: germline. Not counted in ClinVar's aggregate classification.

GeneDx
Classification: Benign. Last evaluated: 2014-04-23. Review status: criteria provided, single submitter. Criteria: GeneDx Variant Classification (06012015). Collection method: clinical testing. Allele origin: germline. Affected: yes. Not counted in ClinVar's aggregate classification.
Comment: This variant is considered likely benign or benign based on one or more of the following criteria: it is a conservative change, it occurs at a poorly conserved position in the protein, it is predicted to be benign by multiple in silico algorithms, and/or has population frequency not consistent with disease.

True Health Diagnostics
Classification: Likely benign for Hereditary cancer-predisposing syndrome. Last evaluated: 2018-03-15. Review status: no assertion criteria provided. Collection method: clinical testing. Allele origin: germline. Not counted in ClinVar's aggregate classification.

Cancer Genetics and Genomics Laboratory, British Columbia Cancer Agency
Classification: Uncertain significance for Hereditary breast ovarian cancer syndrome. Last evaluated: 2017-04-18. Review status: no assertion criteria provided. Collection method: clinical testing. Allele origin: germline. Study: The Canadian Open Genetics Repository (COGR). Not counted in ClinVar's aggregate classification.

Literature cited by the submitters: PubMed 18844490 (cited by 3 submitters); PubMed 34296289 (cited by Quest Diagnostics Nichols Institute San Juan Capistrano); PubMed 21673748 (cited by Quest Diagnostics Nichols Institute San Juan Capistrano and Women's Health and Genetics/Laboratory Corporation of America, LabCorp).

NM_000059.4(BRCA2):c.9087G>A (p.Ala3029=)

Gene: BRCA2 (BRCA2 DNA repair associated; plus strand). Cytogenetic location: 13q13.1.
Variant type: single nucleotide variant.
Coding change: c.9087G>A on transcript NM_000059.4 (MANE Select); coding-DNA position 9087, G replaced by A.
Protein change: p.Ala3029=; no amino-acid change (alanine 3029 retained).
Molecular consequence: synonymous variant.
Genome position (GRCh38, 1-based): chr13:32,379,883, G>A. VCF-style: chr13-32379883-G-A. GRCh37 (hg19) VCF-style: chr13-32954020-G-A.
Other names: p.A3029A:GCG>GCA.
Identifiers: ClinVar variation 136572 (VCV000136572.28), dbSNP rs368576266, ClinGen allele CA025967.